The following is an entry in ClinVar:

NM_006218.4(PIK3CA):c.1902G>A (p.Gln634=)

Gene: PIK3CA (phosphatidylinositol-4,5-bisphosphate 3-kinase catalytic subunit alpha; plus strand). Cytogenetic location: 3q26.32.
Variant type: single nucleotide variant.
Coding change: c.1902G>A on transcript NM_006218.4 (MANE Select); coding-DNA position 1902, G replaced by A.
Protein change: p.Gln634=; no amino-acid change (glutamine 634 retained).
Molecular consequence: synonymous variant.
Genome position (GRCh38, 1-based): chr3:179,219,726, G>A. VCF-style: chr3-179219726-G-A. GRCh37 (hg19) VCF-style: chr3-178937514-G-A.
Identifiers: ClinVar variation 3225344 (VCV003225344.9), dbSNP rs199964440, ClinGen allele CA88528069.
Genomic context (GRCh38, chr3:179,219,726, plus strand): 5'-TGCTGTTCGGTGCTTGGAAAAATATTTAACAGATGACAAACTTTCTCAGTATTTAATTCA[G>A]CTAGTACAGGTAAAATAATGTAAAATAGTAAATAATGTTTAATTACAATAATAATTTATT-3'
Protein context (NP_006209.2, residues 624-644): TDDKLSQYLI[Gln634=]LVQVLKYEQY

ClinVar aggregate classification (germline): Likely benign. Review status: criteria provided, multiple submitters, no conflicts (2 of 4 stars). 2 submissions from 2 submitters: Likely benign (2). Last evaluated 2025-07-01.

Conditions:
Inborn genetic diseases. Identifiers: MedGen C0950123, MeSH D030342.

Submissions (2):

CeGaT Center for Human Genetics Tuebingen
Classification: Likely benign. Last evaluated: 2025-07-01. Review status: criteria provided, single submitter. Criteria: CeGaT Center For Human Genetics Tuebingen Variant Classification Criteria Version 2. Collection method: clinical testing. Allele origin: germline. Affected: yes. Observed: 1 variant allele.
Comment: PIK3CA: PM2:Supporting, BP4, BP7

Ambry Genetics
Classification: Likely benign for Inborn genetic diseases. Last evaluated: 2023-11-22. Review status: criteria provided, single submitter. Criteria: Ambry Variant Classification Scheme 2023. Collection method: clinical testing. Allele origin: germline.